The following is an entry in ClinVar:

NM_001083962.2(TCF4):c.705G>C (p.Gln235His)

Gene: TCF4 (transcription factor 4; minus strand). Cytogenetic location: 18q21.2.
Variant type: single nucleotide variant.
Coding change: c.705G>C on transcript NM_001083962.2 (MANE Select); coding-DNA position 705, G replaced by C.
Protein change: p.Gln235His; replaces glutamine 235 with histidine.
Molecular consequence: missense variant.
Genome position (GRCh38, 1-based): chr18:55,275,703, C>G on the plus strand (G>C on the coding strand, the complement: TCF4 is on the minus strand). VCF-style: chr18-55275703-C-G. GRCh37 (hg19) VCF-style: chr18-52942934-C-G.
Other names: c.1011G>C, p.Gln337His (NM_001243226.3); c.633G>C, p.Gln211His (NM_001243227.2, NM_001306207.1, NM_001369575.1 and 9 more transcripts); c.723G>C, p.Gln241His (NM_001243228.2); c.699G>C, p.Gln233His (NM_001243230.2); c.579G>C, p.Gln193His (NM_001243231.2, NM_001348211.2); c.492G>C, p.Gln164His (NM_001243232.1, NM_001306208.1); c.315G>C, p.Gln105His (NM_001243233.2, NM_001330605.3, NM_001348212.2 and 1 more transcripts); c.225G>C, p.Gln75His (NM_001243234.2, NM_001243235.2, NM_001243236.2 and 2 more transcripts); and 4 more; short protein forms Q105H, Q164H, Q193H, Q19H, Q210H, Q211H, Q233H, Q234H.
Identifiers: ClinVar variation 3602512 (VCV003602512.2).

ClinVar aggregate classification (germline): Uncertain significance. Review status: criteria provided, multiple submitters, no conflicts (2 of 4 stars). 2 submissions from 2 submitters: Uncertain significance (2). Last evaluated 2026-08-01.

Submissions (2):

CeGaT Center for Human Genetics Tuebingen
Classification: Uncertain significance. Last evaluated: 2026-08-01. Review status: criteria provided, single submitter. Criteria: CeGaT Center For Human Genetics Tuebingen Variant Classification Criteria Version 2. Collection method: clinical testing. Allele origin: germline. Affected: yes. Observed: 1 variant allele.
Comment: TCF4: PM2

GeneDx
Classification: Uncertain significance. Last evaluated: 2024-08-02. Review status: criteria provided, single submitter. Criteria: GeneDx Variant Classification Process June 2021. Collection method: clinical testing. Allele origin: germline. Affected: yes.
Comment: Not observed at significant frequency in large population cohorts (gnomAD); In silico analysis supports that this missense variant has a deleterious effect on protein structure/function; Has not been previously published as pathogenic or benign to our knowledge